The following is an entry in ClinVar:

NM_001387283.1(SMARCA4):c.4265A>G (p.Lys1422Arg)

Gene: SMARCA4 (SWI/SNF related BAF chromatin remodeling complex subunit ATPase 4; plus strand). Cytogenetic location: 19p13.2.
Variant type: single nucleotide variant.
Coding change: c.4265A>G on transcript NM_001387283.1 (MANE Plus Clinical); coding-DNA position 4265, A replaced by G.
Protein change: p.Lys1422Arg; replaces lysine 1422 with arginine.
Molecular consequence: missense variant. On other transcripts: intron variant (7).
Genome position (GRCh38, 1-based): chr19:11,039,552, A>G. VCF-style: chr19-11039552-A-G. GRCh37 (hg19) VCF-style: chr19-11150228-A-G.
Other names: c.4265A>G, p.Lys1422Arg (NM_001128849.3); c.4171-1755A>G (NM_001128844.3, NM_003072.5); c.4072-1755A>G (NM_001128847.4, NM_001374457.1, NM_001128848.2); c.4072-1746A>G (NM_001128845.2, NM_001128846.2); short protein forms K1422R.
Identifiers: ClinVar variation 470386 (VCV000470386.13), dbSNP rs1060502061, ClinGen allele CA404071925.
Genomic context (GRCh38, chr19:11,039,552, plus strand): 5'-GCAGTGTGGCACGTGGGCTACAATTCCAGCGTGGCCTTCAGTTCTGCACACGTGCGTCAA[A>G]GGTGGGGAGAGTTCTGGTGGTGGGTGGCGCTGAGGGCTGCACAACACTGGGGACGTGCCT-3'
Protein context (NP_001374212.1, residues 1412-1432): RGLQFCTRAS[Lys1422Arg]AIEEGTLEEI

ClinVar aggregate classification (germline): Uncertain significance. Review status: criteria provided, multiple submitters, no conflicts (2 of 4 stars). 2 submissions from 2 submitters: Uncertain significance (2). Last evaluated 2024-11-10.

Conditions:
Rhabdoid tumor predisposition syndrome 2 (RTPS2). Identifiers: Orphanet 231108, Orphanet 69077, MedGen C2750074, MONDO:0013224, OMIM 613325.
Hereditary cancer-predisposing syndrome. Also called: Hereditary neoplastic syndrome; Neoplastic Syndromes, Hereditary; Tumor predisposition; Hereditary Cancer Syndrome. Identifiers: Orphanet 140162, MedGen C0027672, MeSH D009386, MONDO:0015356.

Submissions (2):

Labcorp Genetics (formerly Invitae), Labcorp
Classification: Uncertain significance for Rhabdoid tumor predisposition syndrome 2. Last evaluated: 2024-11-10. Review status: criteria provided, single submitter. Criteria: Invitae Variant Classification Sherloc (09022015). Collection method: clinical testing. Allele origin: germline.
Comment: This sequence change replaces lysine, which is basic and polar, with arginine, which is basic and polar, at codon 1422 of the SMARCA4 protein (p.Lys1422Arg). This variant is not present in population databases (gnomAD no frequency). This variant has not been reported in the literature in individuals affected with SMARCA4-related conditions. ClinVar contains an entry for this variant (Variation ID: 470386). An algorithm developed to predict the effect of missense changes on protein structure and function (PolyPhen-2) suggests that this variant is likely to be tolerated. Algorithms developed to predict the effect of sequence changes on RNA splicing suggest that this variant may disrupt the consensus splice site. In summary, the available evidence is currently insufficient to determine the role of this variant in disease. Therefore, it has been classified as a Variant of Uncertain Significance.

Ambry Genetics
Classification: Uncertain significance for Hereditary cancer-predisposing syndrome. Last evaluated: 2022-07-13. Review status: criteria provided, single submitter. Criteria: Ambry Variant Classification Scheme 2023. Collection method: clinical testing. Allele origin: germline.
Comment: The p.K1422R variant (also known as c.4265A>G), located in coding exon 29 of the SMARCA4 gene, results from an A to G substitution at nucleotide position 4265. The lysine at codon 1422 is replaced by arginine, an amino acid with highly similar properties. This amino acid position is conserved on limited sequence alignment. In addition, this alteration is predicted to be tolerated by in silico analysis. Missense and in-frame variants in SMARCA4 are known to cause neurodevelopmental disorders; however, such associations with rhabdoid tumor predisposition syndrome including small cell carcinoma of the ovary-hypercalcemic type (SCCOHT) are exceedingly rare (Kosho T et al. Am J Med Genet C Semin Med Genet. 2014 Sep;166C(3):262-75; Jelinic P et al. Nat Genet. 2014 May;46(5):424-6). Based on the supporting evidence, the association of this alteration with Coffin-Siris syndrome is unknown; however, the association of this alteration with rhabdoid tumor predisposition syndrome is unlikely.